The following is an entry in ClinVar:

ClinVar aggregate classification (germline): Pathogenic/Likely pathogenic. Review status: criteria provided, multiple submitters, no conflicts (2 of 4 stars). 2 submissions from 2 submitters: Pathogenic (1); Likely pathogenic (1). Last evaluated 2024-08-06.

Conditions:
Mitochondrial trifunctional protein deficiency 1 (MTPD1). Identifiers: MedGen CN376812, MONDO:0958181, OMIM 609015.
Mitochondrial trifunctional protein deficiency. Identifiers: Orphanet 746, MedGen C1969443, MONDO:0012172.

Allele frequency attached by ClinVar (database versions not stated): ExAC 0.00002.
gnomAD v4.1: 3 of 1,583,236 alleles (0.00019%); highest among the groups gnomAD compares: East Asian, 0.0067%; no homozygotes.

Submissions (2):

Women's Health and Genetics/Laboratory Corporation of America, LabCorp
Classification: Likely pathogenic for Mitochondrial trifunctional protein deficiency. Last evaluated: 2024-08-06. Review status: criteria provided, single submitter. Criteria: LabCorp Variant Classification Summary - May 2015. Collection method: clinical testing. Allele origin: germline.
Comment: Variant summary: HADHB c.340A>G (p.Asn114Asp) results in a conservative amino acid change located in the N-terminal domain (IPR020616) of the encoded protein sequence. Four of five in-silico tools predict a damaging effect of the variant on protein function. The variant allele was found at a frequency of 1.2e-05 in 251404 control chromosomes (gnomAD). c.340A>G has been reported in the literature in individuals with clinical and/or laboratory features of Mitochondrial Trifunctional Protein Deficiency (e.g. Choi_2007, Lee_2017 [No PMID], Lu_2018, Kang_2018, Kim_2021 [No PMID], Hong_2022). These data indicate that the variant is likely to be associated with disease. To our knowledge, no experimental evidence demonstrating an impact on protein function has been reported. The following publications have been ascertained in the context of this evaluation (PMID: 17143551, 29956646, 35387801, 29519241). ClinVar contains an entry for this variant (Variation ID: 2675986). Based on the evidence outlined above, the variant was classified as likely pathogenic.

Baylor Genetics
Classification: Pathogenic for Mitochondrial trifunctional protein deficiency 1. Last evaluated: 2024-03-27. Review status: criteria provided, single submitter. Criteria: ACMG Guidelines, 2015. Collection method: clinical testing. Allele origin: unknown.

Literature cited by the submitters: PubMed 29519241 (cited by Women's Health and Genetics/Laboratory Corporation of America, LabCorp); PubMed 29956646 (cited by Women's Health and Genetics/Laboratory Corporation of America, LabCorp); PubMed 17143551 (cited by Women's Health and Genetics/Laboratory Corporation of America, LabCorp); PubMed 35387801 (cited by Women's Health and Genetics/Laboratory Corporation of America, LabCorp).

NM_000183.3(HADHB):c.340A>G (p.Asn114Asp)

Gene: HADHB (hydroxyacyl-CoA dehydrogenase trifunctional multienzyme complex subunit beta; plus strand). Cytogenetic location: 2p23.3.
Variant type: single nucleotide variant.
Coding change: c.340A>G on transcript NM_000183.3 (MANE Select); coding-DNA position 340, A replaced by G.
Protein change: p.Asn114Asp; replaces asparagine 114 with aspartic acid.
Molecular consequence: missense variant.
Genome position (GRCh38, 1-based): chr2:26,273,736, A>G. VCF-style: chr2-26273736-A-G. GRCh37 (hg19) VCF-style: chr2-26496604-A-G.
Other names: c.295A>G, p.Asn99Asp (NM_001281512.2); c.274A>G, p.Asn92Asp (NM_001281513.2); short protein forms N114D, N92D, N99D.
Identifiers: ClinVar variation 2675986 (VCV002675986.3), dbSNP rs773157876, ClinGen allele CA1560180.